The following is an entry in ClinVar:

ClinVar aggregate classification (germline): Uncertain significance (1 of 4 stars; one submission).

gnomAD v4.1: 1 of 1,207,958 alleles (0.000083%); no homozygotes.

Submission:

Labcorp Genetics (formerly Invitae), Labcorp
Classification: Uncertain significance. Last evaluated: 2022-10-05. Review status: criteria provided, single submitter. Criteria: Invitae Variant Classification Sherloc (09022015). Collection method: clinical testing. Allele origin: germline.
Comment: This sequence change replaces alanine, which is neutral and non-polar, with valine, which is neutral and non-polar, at codon 29 of the GRM6 protein (p.Ala29Val). This variant is not present in population databases (gnomAD no frequency). This variant has not been reported in the literature in individuals affected with GRM6-related conditions. ClinVar contains an entry for this variant (Variation ID: 1485296). Advanced modeling of protein sequence and biophysical properties (such as structural, functional, and spatial information, amino acid conservation, physicochemical variation, residue mobility, and thermodynamic stability) performed at Invitae indicates that this missense variant is not expected to disrupt GRM6 protein function. In summary, the available evidence is currently insufficient to determine the role of this variant in disease. Therefore, it has been classified as a Variant of Uncertain Significance.

NM_000843.4(GRM6):c.86C>T (p.Ala29Val)

Gene: GRM6 (glutamate metabotropic receptor 6; minus strand). Cytogenetic location: 5q35.3.
Variant type: single nucleotide variant.
Coding change: c.86C>T on transcript NM_000843.4 (MANE Select); coding-DNA position 86, C replaced by T.
Protein change: p.Ala29Val; replaces alanine 29 with valine.
Molecular consequence: missense variant.
Genome position (GRCh38, 1-based): chr5:178,994,859, G>A on the plus strand (C>T on the coding strand, the complement: GRM6 is on the minus strand). VCF-style: chr5-178994859-G-A. GRCh37 (hg19) VCF-style: chr5-178421860-G-A.
Other names: short protein forms A29V.
Identifiers: ClinVar variation 1485296 (VCV001485296.8), dbSNP rs2113348558, ClinGen allele CA362437095.